The following is an entry in ClinVar:

NM_001323289.2(CDKL5):c.1330C>T (p.Arg444Cys)

Gene: CDKL5 (cyclin dependent kinase like 5; plus strand). Cytogenetic location: Xp22.13.
Variant type: single nucleotide variant.
Coding change: c.1330C>T on transcript NM_001323289.2 (MANE Select); coding-DNA position 1330, C replaced by T.
Protein change: p.Arg444Cys; replaces arginine 444 with cysteine.
Molecular consequence: missense variant.
Genome position (GRCh38, 1-based): chrX:18,604,254, C>T. VCF-style: chrX-18604254-C-T. GRCh37 (hg19) VCF-style: chrX-18622374-C-T.
Other names: NM_001323289.2(CDKL5):c.1330C>T; c.1330C>T, p.Arg444Cys (NM_001037343.2, NM_003159.3); short protein forms R444C.
Identifiers: ClinVar variation 143775 (VCV000143775.47), dbSNP rs61753977, ClinGen allele CA171608.

ClinVar aggregate classification (germline): Benign/Likely benign. Review status: criteria provided, multiple submitters, no conflicts (2 of 4 stars). 10 submissions from 10 submitters: Benign (5); Likely benign (3). 2 of the submissions do not count toward it. Last evaluated 2025-04-17.

Conditions:
CDKL5 disorder. Identifiers: MedGen CN296942, MONDO:0100039.
Inborn genetic diseases. Identifiers: MedGen C0950123, MeSH D030342.
Angelman syndrome-like. Identifiers: MedGen CN128785.
Developmental and epileptic encephalopathy, 2 (DEE2). Also called: CDKL5 deficiency disorder; INFANTILE SPASM SYNDROME, X-LINKED 2. Identifiers: Orphanet 1934, Orphanet 3451, Orphanet 505652, MedGen C4750718, MONDO:0010396, OMIM 300672.
Craniosynostosis syndrome. Also called: Craniosynostosis. Identifiers: Orphanet 1531, MedGen C0010278, MeSH D003398, MONDO:0015469, HP:0001363.
CDKL5-related disorder.

Allele frequency attached by ClinVar (database versions not stated): ESP Exome Variant Server 0.00009; TOPMed 0.00013; gnomAD 0.00014; ExAC 0.00017; gnomAD exomes 0.00017 and 0.00031.
gnomAD v4.1: 358 of 1,210,177 alleles (0.03%); highest among the groups gnomAD compares: Non-Finnish European, 0.038%; no homozygotes.

Submissions (10):

Labcorp Genetics (formerly Invitae), Labcorp
Classification: Benign for Developmental and epileptic encephalopathy, 2; Angelman syndrome-like. Last evaluated: 2025-04-17. Review status: criteria provided, single submitter. Criteria: Invitae Variant Classification Sherloc (09022015). Collection method: clinical testing. Allele origin: germline.

Centre for Population Genomics, CPG
Classification: Benign for CDKL5 disorder. Last evaluated: 2024-09-13. Review status: criteria provided, single submitter. Criteria: McKnight et al. (Hum Mutat. 2022). Collection method: curation. Allele origin: germline. Inheritance: X-linked inheritance.
Comment: This variant has been collected from RettBASE and curated to current modified ACMG/AMP criteria. Based on the classification scheme defined by the ClinGen Rett/Angelman-like Expert Panel for Rett/AS-like Disorders Specifications to the ACMG/AMP Variant Interpretation Guidelines VCEP 3.0, this variant is classified as benign. At least the following criteria are met: The allele frequency of this variant in at least one population in gnomAD is higher than the 0.03% threshold defined by the ClinGen Rett/Angelman-like Expert Panel for Rett/AS-like Disorders VCEP 3.0 (BA1).

Blueprint Genetics
Classification: Likely benign. Last evaluated: 2024-07-15. Review status: criteria provided, single submitter. Criteria: ACMG Guidelines, 2015. Collection method: clinical testing. Allele origin: germline.

CeGaT Center for Human Genetics Tuebingen
Classification: Likely benign. Last evaluated: 2024-01-01. Review status: criteria provided, single submitter. Criteria: CeGaT Center For Human Genetics Tuebingen Variant Classification Criteria Version 2. Collection method: clinical testing. Allele origin: germline. Affected: yes. Observed: 1 variant allele.
Comment: CDKL5: BS2

Cambridge Genomics Laboratory, East Genomic Laboratory Hub, NHS Genomic Medicine Service
Classification: Benign for Craniosynostosis syndrome. Last evaluated: 2020-07-02. Review status: criteria provided, single submitter. Criteria: ACGS Best Practice Guidelines for Variant Classification in Rare Disease 2020. Collection method: clinical testing. Allele origin: germline. Affected: yes. Observed: 1 variant allele.

Ambry Genetics
Classification: Benign for Inborn genetic diseases. Last evaluated: 2017-10-26. Review status: criteria provided, single submitter. Criteria: Ambry Variant Classification Scheme 2023. Collection method: clinical testing. Allele origin: germline.

GeneDx
Classification: Likely benign. Last evaluated: 2017-08-23. Review status: criteria provided, single submitter. Criteria: GeneDx Variant Classification (06012015). Collection method: clinical testing. Allele origin: germline. Affected: yes.
Comment: This variant is considered likely benign or benign based on one or more of the following criteria: it is a conservative change, it occurs at a poorly conserved position in the protein, it is predicted to be benign by multiple in silico algorithms, and/or has population frequency not consistent with disease.

Genetic Services Laboratory, University of Chicago
Classification: Benign. Last evaluated: 2013-02-08. Review status: criteria provided, single submitter. Criteria: ACMG Guidelines, 2007. Collection method: clinical testing. Allele origin: germline. Inheritance: X-linked inheritance.

PreventionGenetics, part of Exact Sciences
Classification: Likely benign for CDKL5-related condition. Last evaluated: 2021-06-07. Review status: no assertion criteria provided. Collection method: clinical testing. Allele origin: germline. Not counted in ClinVar's aggregate classification.
Comment: This variant is classified as likely benign based on ACMG/AMP sequence variant interpretation guidelines (Richards et al. 2015 PMID: 25741868, with internal and published modifications).

RettBASE
Classification: Benign. Last evaluated: 2014-05-09. Review status: no assertion criteria provided. Collection method: curation. Allele origin: paternal, unknown, maternal. Observed: 4 variant alleles. Not counted in ClinVar's aggregate classification.

Literature cited by the submitters: PubMed 16015284 (cited by RettBASE); PubMed 23064044 (cited by RettBASE).